The following is an entry in ClinVar:

ClinVar aggregate classification (germline): Pathogenic/Likely pathogenic. Review status: criteria provided, multiple submitters, no conflicts (2 of 4 stars). 2 submissions from 2 submitters: Pathogenic (1); Likely pathogenic (1). Last evaluated 2026-01-28.

Conditions:
Usher syndrome type 2A. Also called: RETINAL DISEASE IN USHER SYNDROME TYPE IIA, MODIFIER OF; USHER SYNDROME, TYPE IIA. Identifiers: Orphanet 231178, Orphanet 886, MedGen C1848634, MONDO:0010169, OMIM 276901.

Submissions (2):

Labcorp Genetics (formerly Invitae), Labcorp
Classification: Pathogenic. Last evaluated: 2026-01-28. Review status: criteria provided, single submitter. Criteria: Invitae Variant Classification Sherloc (09022015). Collection method: clinical testing. Allele origin: germline.
Comment: This sequence change creates a premature translational stop signal (p.Gly1968*) in the USH2A gene. It is expected to result in an absent or disrupted protein product. Loss-of-function variants in USH2A are known to be pathogenic (PMID: 10729113, 10909849, 20507924, 25649381). This variant is not present in population databases (gnomAD no frequency). This variant has not been reported in the literature in individuals affected with USH2A-related conditions. ClinVar contains an entry for this variant (Variation ID: 1724032). For these reasons, this variant has been classified as Pathogenic.

Myriad Genetics, Inc.
Classification: Likely pathogenic for Usher syndrome type 2A. Last evaluated: 2021-11-03. Review status: criteria provided, single submitter. Criteria: Myriad Women's Health Autosomal Recessive and X-Linked Classification Criteria (2021). Collection method: clinical testing. Allele origin: unknown.
Comment: NM_206933.2(USH2A):c.5902G>T(G1968*) is expected to be pathogenic in the context of USH2A-related disorders. This variant is predicted to lead to an abnormal or absent protein product due to the creation of a premature termination codon in USH2A, a gene where loss-of-function variants are known to be pathogenic. Please note: this variant was assessed in the context of healthy population screening.

Literature cited by the submitters: PubMed 10729113 (cited by Labcorp Genetics (formerly Invitae), Labcorp); PubMed 10909849 (cited by Labcorp Genetics (formerly Invitae), Labcorp); PubMed 20507924 (cited by Labcorp Genetics (formerly Invitae), Labcorp); PubMed 25649381 (cited by Labcorp Genetics (formerly Invitae), Labcorp).

NM_206933.4(USH2A):c.5902G>T (p.Gly1968Ter)

Gene: USH2A (usherin; minus strand). Cytogenetic location: 1q41.
Variant type: single nucleotide variant.
Coding change: c.5902G>T on transcript NM_206933.4 (MANE Select); coding-DNA position 5902, G replaced by T.
Protein change: p.Gly1968Ter; replaces glycine 1968 with a stop codon.
Molecular consequence: nonsense.
Genome position (GRCh38, 1-based): chr1:216,070,248, C>A on the plus strand (G>T on the coding strand, the complement: USH2A is on the minus strand). VCF-style: chr1-216070248-C-A. GRCh37 (hg19) VCF-style: chr1-216243590-C-A.
Other names: short protein forms G1968*.
Identifiers: ClinVar variation 1724032 (VCV001724032.3), dbSNP rs2527770006, ClinGen allele CA344862206.
Genomic context (GRCh38, chr1:216,070,248, plus strand): 5'-TGTACTTCTCAATTACACCTCTGACAACAGGTTCATCCCAGGTCACCTCAATGCTGTATC[C>A]ATTTAAGCTGCGGACTCTTGAGGGAGTTGGCACACTTTGTGGAGCTGTGAAGGAATAAAA-3'